The following is an entry in ClinVar:

NM_015267.4(CUX2):c.1816_1822del (p.Lys606fs)

Gene: CUX2 (cut like homeobox 2; plus strand). Cytogenetic location: 12q24.12.
Variant type: Deletion.
Coding change: c.1816_1822del on transcript NM_015267.4 (MANE Select); coding-DNA positions 1816 to 1822, 7 bases deleted (AAGGAGC; older notation c.1816_1822delAAGGAGC).
Protein change: p.Lys606fs; shifts the reading frame from lysine 606.
Molecular consequence: frameshift variant.
Genome position (GRCh38, 1-based): chr12:111,310,598-111,310,604, AAGGAGC deleted; deleting any 7 consecutive bases within chr12:111,310,596-111,310,604 gives the same sequence; the c. name uses the placement nearest the transcript's 3' end. VCF-style (leftmost placement, unchanged base first): chr12-111310595-GGCAAGGA-G. GRCh37 (hg19) VCF-style: chr12-111748399-GGCAAGGA-G.
Other names: c.1630_1636del, p.Lys544fs (NM_001370598.1); short protein forms K544fs, K606fs.
Identifiers: ClinVar variation 1708073 (VCV001708073.1), dbSNP rs2499834373, ClinGen allele CA2580085800.

ClinVar aggregate classification (germline): Uncertain significance (1 of 4 stars; one submission).

Conditions:
Developmental and epileptic encephalopathy, 67. Also called: EPILEPTIC ENCEPHALOPATHY, EARLY INFANTILE, 67. Identifiers: MedGen C4748341, MONDO:0029138, OMIM 618141.

Submission:

Laboratory of Medical Genetics, National & Kapodistrian University of Athens
Classification: Uncertain significance for Developmental and epileptic encephalopathy, 67. Last evaluated: 2021-10-14. Review status: criteria provided, single submitter. Criteria: ACMG Guidelines, 2015. Collection method: clinical testing. Allele origin: maternal. Affected: yes.
Comment: PVS1, PM2, PP3, BS2